The following is an entry in ClinVar:

ClinVar aggregate classification (germline): Pathogenic/Likely pathogenic. Review status: criteria provided, multiple submitters, no conflicts (2 of 4 stars). 3 submissions from 3 submitters: Pathogenic (2); Likely pathogenic (1). Last evaluated 2026-01-27.

Conditions:
Seizures, benign familial infantile, 5 (BFIS5). Also called: CONVULSIONS, BENIGN FAMILIAL INFANTILE, 5. Identifiers: Orphanet 306, MedGen C4310728, MONDO:0014903, OMIM 617080.
Seizures, benign familial infantile, 3 (BFIS3). Also called: CONVULSIONS, BENIGN FAMILIAL INFANTILE, 3; Familial neonatal seizures. Identifiers: Orphanet 140927, Orphanet 306, MedGen C1843140, MONDO:0011904, OMIM 607745.
Developmental and epileptic encephalopathy, 11 (DEE11). Also called: Early infantile epileptic encephalopathy 11. Identifiers: Orphanet 1934, MedGen C3150987, MONDO:0013388, OMIM 613721.

Allele frequency attached by ClinVar (database versions not stated): gnomAD exomes below 0.00001.
gnomAD v4.1: 1 of 1,613,722 alleles (0.000062%); highest among the groups gnomAD compares: Non-Finnish European, 0.000085%; no homozygotes.

Submissions (4):

Institute of Human Genetics, University of Leipzig Medical Center
Classification: Pathogenic for Seizures, benign familial infantile, 5. Last evaluated: 2026-01-27. Review status: criteria provided, single submitter. Criteria: ACMG Guidelines, 2015. Collection method: clinical testing. Allele origin: de novo. Inheritance: Autosomal dominant inheritance. Affected: yes.
Comment: Criteria applied: PS4,PP1_STR,PS3_MOD,PP3_MOD,PM2_SUP,PM5_SUP,PS2_MOD

Labcorp Genetics (formerly Invitae), Labcorp
Classification: Pathogenic for Seizures, benign familial infantile, 3; Developmental and epileptic encephalopathy, 11. Last evaluated: 2025-05-06. Review status: criteria provided, single submitter. Criteria: Invitae Variant Classification Sherloc (09022015). Collection method: clinical testing. Allele origin: germline.
Comment: This sequence change replaces tyrosine, which is neutral and polar, with cysteine, which is neutral and slightly polar, at codon 1589 of the SCN2A protein (p.Tyr1589Cys). This variant is not present in population databases (gnomAD no frequency). This missense change has been observed in individual(s) with benign familial neonatal-infantile seizures (BFNIS) (PMID: 23758435). It has also been observed to segregate with disease in related individuals. ClinVar contains an entry for this variant (Variation ID: 464912). Invitae Evidence Modeling of protein sequence and biophysical properties (such as structural, functional, and spatial information, amino acid conservation, physicochemical variation, residue mobility, and thermodynamic stability) indicates that this missense variant is expected to disrupt SCN2A protein function with a positive predictive value of 95%. Experimental studies have shown that this missense change affects SCN2A function (PMID: 23758435). For these reasons, this variant has been classified as Pathogenic.

Center of Genomic medicine, Geneva, University Hospital of Geneva
Classification: Likely pathogenic for Seizures, benign familial infantile, 3. Last evaluated: 2018-08-13. Review status: criteria provided, single submitter. Criteria: ACMG Guidelines, 2015. Collection method: clinical testing. Allele origin: paternal. Affected: yes. Observed: 2 variant alleles.

Channelopathy-Associated Epilepsy Research Center
No classification provided (evidence only). Condition: Complex neurodevelopmental disorder. Review status: no classification provided. Collection method: literature only. Allele origin: not applicable. Functional consequence: Normal slope of activation, Normal voltage dependence of activation, Normal slope of fast inactivation, Normal peak current, Mild depolarizing shift of voltage dependence of fast inactivation, Acceleration of recovery from fast inactivation, Mild slowing of fast inactivation, Mild increase in persistent current, Increase of subthreshold current, Overall gain-of-function. Not counted in ClinVar's aggregate classification.
ClinVar note: "not provided" was previously submitted as the classification for the variant. However, the classification appeared to be based only on an observation of functional data so it was converted to no classification on 2025-07-30.

Literature cited by the submitters: PubMed 23758435 (cited by Labcorp Genetics (formerly Invitae), Labcorp and Channelopathy-Associated Epilepsy Research Center).

NM_001040142.2(SCN2A):c.4766A>G (p.Tyr1589Cys)

Gene: SCN2A (sodium voltage-gated channel alpha subunit 2; plus strand). Cytogenetic location: 2q24.3.
Variant type: single nucleotide variant.
Coding change: c.4766A>G on transcript NM_001040142.2 (MANE Select); coding-DNA position 4766, A replaced by G.
Protein change: p.Tyr1589Cys; replaces tyrosine 1589 with cysteine.
Molecular consequence: missense variant.
Genome position (GRCh38, 1-based): chr2:165,386,960, A>G. VCF-style: chr2-165386960-A-G. GRCh37 (hg19) VCF-style: chr2-166243470-A-G.
Other names: c.4766A>G, p.Tyr1589Cys (NM_001040143.2, NM_001371246.1, NM_001371247.1 and 1 more transcripts); short protein forms Y1589C.
Identifiers: ClinVar variation 464912 (VCV000464912.15), dbSNP rs1553463119, ClinGen allele CA349036779.